The following is an entry in ClinVar:

NM_000660.7(TGFB1):c.148C>T (p.Arg50Cys)

Genes: TGFB1 (transforming growth factor beta 1; minus strand), LOC130064510 (ATAC-STARR-seq lymphoblastoid silent region 10661; plus strand). Cytogenetic location: 19q13.2.
Variant type: single nucleotide variant.
Coding change: c.148C>T on transcript NM_000660.7 (MANE Select); coding-DNA position 148, C replaced by T.
Protein change: p.Arg50Cys; replaces arginine 50 with cysteine.
Molecular consequence: missense variant.
Genome position (GRCh38, 1-based): chr19:41,352,897, G>A on the plus strand (C>T on the coding strand, the complement: TGFB1 is on the minus strand). VCF-style: chr19-41352897-G-A. GRCh37 (hg19) VCF-style: chr19-41858802-G-A.
Other names: c.148C>T (NM_000660.4); short protein forms R50C.
Identifiers: ClinVar variation 2983733 (VCV002983733.4), dbSNP rs1488032495, ClinGen allele CA406005957.

ClinVar aggregate classification (germline): Uncertain significance. Review status: criteria provided, multiple submitters, no conflicts (2 of 4 stars). 2 submissions from 2 submitters: Uncertain significance (2). Last evaluated 2025-03-28.

Allele frequency attached by ClinVar (database versions not stated): gnomAD exomes 0.00001.
gnomAD v4.1: 8 of 1,560,904 alleles (0.00051%); highest among the groups gnomAD compares: Non-Finnish European, 0.00069%; no homozygotes.

Submissions (2):

GeneDx
Classification: Uncertain significance. Last evaluated: 2025-03-28. Review status: criteria provided, single submitter. Criteria: GeneDx Variant Classification Process June 2021. Collection method: clinical testing. Allele origin: germline. Affected: yes.
Comment: Not observed at significant frequency in large population cohorts (gnomAD); In silico analysis supports that this missense variant has a deleterious effect on protein structure/function; Has not been previously published as pathogenic or benign to our knowledge

Labcorp Genetics (formerly Invitae), Labcorp
Classification: Uncertain significance. Last evaluated: 2024-06-29. Review status: criteria provided, single submitter. Criteria: Invitae Variant Classification Sherloc (09022015). Collection method: clinical testing. Allele origin: germline.
Comment: This sequence change replaces arginine, which is basic and polar, with cysteine, which is neutral and slightly polar, at codon 50 of the TGFB1 protein (p.Arg50Cys). The frequency data for this variant in the population databases is considered unreliable, as metrics indicate poor data quality at this position in the gnomAD database. This variant has not been reported in the literature in individuals affected with TGFB1-related conditions. Advanced modeling of protein sequence and biophysical properties (such as structural, functional, and spatial information, amino acid conservation, physicochemical variation, residue mobility, and thermodynamic stability) performed at Invitae indicates that this missense variant is expected to disrupt TGFB1 protein function with a positive predictive value of 80%. In summary, the available evidence is currently insufficient to determine the role of this variant in disease. Therefore, it has been classified as a Variant of Uncertain Significance.